The following is an entry in ClinVar:

ClinVar aggregate classification (germline): Likely pathogenic (1 of 4 stars; one submission).

Conditions:
Stromme syndrome (STROMS). Also called: Ciliary dyskinesia, primary, 31; APPLE PEEL SYNDROME WITH MICROCEPHALY AND OCULAR ANOMALIES; Strømme Syndrome. Identifiers: Orphanet 444069, Orphanet 506307, MedGen C1855705, MONDO:0009477, OMIM 243605.

Submission:

First Genomix Gene Laboratory, Genetic Diagnostics Department
Classification: Likely pathogenic for Stromme syndrome. Last evaluated: 2025-08-19. Review status: criteria provided, single submitter. Criteria: ACMG Guidelines, 2015. Collection method: clinical testing. Allele origin: germline. Inheritance: Autosomal recessive inheritance. Affected: no. Observed: 1 variant allele.

NM_016343.4(CENPF):c.397C>T (p.Gln133Ter)

Gene: CENPF (centromere protein F; plus strand). Cytogenetic location: 1q41.
Variant type: single nucleotide variant.
Coding change: c.397C>T on transcript NM_016343.4 (MANE Select); coding-DNA position 397, C replaced by T.
Protein change: p.Gln133Ter; replaces glutamine 133 with a stop codon.
Molecular consequence: nonsense.
Genome position (GRCh38, 1-based): chr1:214,618,610, C>T. VCF-style: chr1-214618610-C-T. GRCh37 (hg19) VCF-style: chr1-214791953-C-T.
Other names: short protein forms Q133*.
Identifiers: ClinVar variation 4850562 (VCV004850562.1).
Genomic context (GRCh38, chr1:214,618,610, plus strand): 5'-CCTCTTGGGTCCTTTTCTAACAGGTGTAAATCTGAGCTTGAAAGAAGCCAACAAGCTGCG[C>T]AGTCTGCAGATGTCTCTCTGAATCCATGCAATACACCACAAAAAATTTTTACAACTCCAC-3'